The following is an entry in ClinVar:

NM_153717.3(EVC):c.1540G>A (p.Glu514Lys)

Gene: EVC (EvC ciliary complex subunit 1; plus strand). Cytogenetic location: 4p16.2.
Variant type: single nucleotide variant.
Coding change: c.1540G>A on transcript NM_153717.3 (MANE Select); coding-DNA position 1540, G replaced by A.
Protein change: p.Glu514Lys; replaces glutamic acid 514 with lysine.
Molecular consequence: missense variant.
Genome position (GRCh38, 1-based): chr4:5,756,339, G>A. VCF-style: chr4-5756339-G-A. GRCh37 (hg19) VCF-style: chr4-5758066-G-A.
Other names: c.1540G>A, p.Glu514Lys (NM_001306090.2, NM_001306092.2); c.1540G>A (NM_153717.2); short protein forms E514K.
Identifiers: ClinVar variation 283131 (VCV000283131.12), dbSNP rs141896077, ClinGen allele CA2836151.

ClinVar aggregate classification (germline): Conflicting classifications of pathogenicity. Review status: criteria provided, conflicting classifications (1 of 4 stars). 4 submissions from 4 submitters: Uncertain significance (2); Likely benign (1). 1 of the submissions does not count toward it. Last evaluated 2026-03-12.

Conditions:
Curry-Hall syndrome (WAD). Also called: WEYERS ACRODENTAL DYSOSTOSIS. Identifiers: Orphanet 952, MedGen C0457013, MONDO:0008673, OMIM 193530.
Ellis-van Creveld syndrome (EVC). Also called: Chondroectodermal dysplasia; MESOECTODERMAL DYSPLASIA. Identifiers: Orphanet 289, MedGen C0013903, MONDO:0009162, OMIM 225500.

Allele frequency attached by ClinVar (database versions not stated): gnomAD exomes 0.00014; ExAC 0.00019; gnomAD 0.00042; TOPMed 0.00053; ESP Exome Variant Server 0.00062; 1000 Genomes Project 30x 0.00078; 1000 Genomes Project 0.00100.
gnomAD v4.1: 262 of 1,611,364 alleles (0.016%); highest among the groups gnomAD compares: African/African-American, 0.12%; no homozygotes.

Submissions (4):

GeneDx
Classification: Uncertain significance. Last evaluated: 2026-03-12. Review status: criteria provided, single submitter. Criteria: GeneDx Variant Classification Process June 2021. Collection method: clinical testing. Allele origin: germline.
Comment: In silico analysis supports that this missense variant has a deleterious effect on protein structure/function; Has not been previously published as pathogenic or benign to our knowledge

Labcorp Genetics (formerly Invitae), Labcorp
Classification: Likely benign for Curry-Hall syndrome; Ellis-van Creveld syndrome. Last evaluated: 2026-01-15. Review status: criteria provided, single submitter. Criteria: Invitae Variant Classification Sherloc (09022015). Collection method: clinical testing. Allele origin: germline.

Eurofins Ntd Llc (ga)
Classification: Uncertain significance. Last evaluated: 2015-09-28. Review status: criteria provided, single submitter. Criteria: EGL Classification Definitions 2015. Collection method: clinical testing. Allele origin: germline. Observed: 1 variant allele, 1 heterozygote.

Natera, Inc.
Classification: Uncertain significance for Ellis-van Creveld syndrome. Last evaluated: 2019-10-28. Review status: no assertion criteria provided. Collection method: clinical testing. Allele origin: germline. Not counted in ClinVar's aggregate classification.